The following is an entry in ClinVar:

ClinVar aggregate classification (germline): Uncertain significance. Review status: criteria provided, multiple submitters, no conflicts (2 of 4 stars). 3 submissions from 3 submitters: Uncertain significance (3). Last evaluated 2023-08-19.

Conditions:
Immunodeficiency, common variable, 7. Identifiers: Orphanet 1572, Orphanet 696894, MedGen C3542922, MONDO:0013862, OMIM 614699.
Inborn genetic diseases. Identifiers: MedGen C0950123, MeSH D030342.

Allele frequency attached by ClinVar (database versions not stated): gnomAD exomes below 0.00001; TOPMed 0.00001.
gnomAD v4.1: 1 of 1,608,932 alleles (0.000062%); highest among the groups gnomAD compares: East Asian, 0.0022%; no homozygotes.

Submissions (3):

Ambry Genetics
Classification: Uncertain significance for Inborn genetic diseases. Last evaluated: 2023-08-19. Review status: criteria provided, single submitter. Criteria: Ambry Variant Classification Scheme 2023. Collection method: clinical testing. Allele origin: germline.

Genome-Nilou Lab
Classification: Uncertain significance for Immunodeficiency, common variable, 7. Last evaluated: 2023-04-11. Review status: criteria provided, single submitter. Criteria: ACMG Guidelines, 2015. Collection method: clinical testing. Allele origin: germline. Affected: no.

Labcorp Genetics (formerly Invitae), Labcorp
Classification: Uncertain significance for Immunodeficiency, common variable, 7. Last evaluated: 2022-08-06. Review status: criteria provided, single submitter. Criteria: Invitae Variant Classification Sherloc (09022015). Collection method: clinical testing. Allele origin: germline.
Comment: In summary, the available evidence is currently insufficient to determine the role of this variant in disease. Therefore, it has been classified as a Variant of Uncertain Significance. Algorithms developed to predict the effect of missense changes on protein structure and function output the following: SIFT: "Tolerated"; PolyPhen-2: "Benign"; Align-GVGD: "Class C0". The lysine amino acid residue is found in multiple mammalian species, which suggests that this missense change does not adversely affect protein function. This variant has not been reported in the literature in individuals affected with CR2-related conditions. This variant is present in population databases (no rsID available, gnomAD 0.006%). This sequence change replaces threonine, which is neutral and polar, with lysine, which is basic and polar, at codon 1069 of the CR2 protein (p.Thr1069Lys).

NM_001006658.3(CR2):c.3206C>A (p.Thr1069Lys)

Gene: CR2 (complement C3d receptor 2; plus strand). Cytogenetic location: 1q32.2.
Variant type: single nucleotide variant.
Coding change: c.3206C>A on transcript NM_001006658.3 (MANE Select); coding-DNA position 3206, C replaced by A.
Protein change: p.Thr1069Lys; replaces threonine 1069 with lysine.
Molecular consequence: missense variant.
Genome position (GRCh38, 1-based): chr1:207,485,481, C>A. VCF-style: chr1-207485481-C-A. GRCh37 (hg19) VCF-style: chr1-207658826-C-A.
Other names: c.3029C>A, p.Thr1010Lys (NM_001877.5); short protein forms T1010K, T1069K.
Identifiers: ClinVar variation 2419618 (VCV002419618.7), dbSNP rs1012170826, ClinGen allele CA36655310.
Genomic context (GRCh38, chr1:207,485,481, plus strand): 5'-CAATGAGTAAAGATATTACATTTTTCTTTCTTCTTCTGTTTAGCAATTATTATACAGATA[C>A]AAGCCAGAAAGAAGCTTTTCATTTAGAAGCACGAGAAGTATATTCTGTTGATCCATACAA-3'
Protein context (NP_001006659.1, residues 1059-1079): KHRARNYYTD[Thr1069Lys]SQKEAFHLEA